The following is an entry in ClinVar:

NM_194454.3(KRIT1):c.1717_1720del (p.Gln573fs)

Gene: KRIT1 (KRIT1 ankyrin repeat containing; minus strand). Cytogenetic location: 7q21.2.
Variant type: Microsatellite.
Coding change: c.1717_1720del on transcript NM_194454.3 (MANE Select); coding-DNA positions 1717 to 1720, 4 bases deleted (CAAG; older notation c.1717_1720delCAAG).
Protein change: p.Gln573fs; shifts the reading frame from glutamine 573.
Molecular consequence: frameshift variant.
Genome position (GRCh38, 1-based): chr7:92,214,621-92,214,624, CTTG deleted on the plus strand (CAAG on the coding strand, the reverse complement: KRIT1 is on the minus strand); deleting any 4 consecutive bases within chr7:92,214,621-92,214,628 gives the same sequence; the c. name uses the placement nearest the transcript's 3' end. VCF-style (leftmost placement, unchanged base first): chr7-92214620-CCTTG-C. GRCh37 (hg19) VCF-style: chr7-91843934-CCTTG-C.
Other names: c.1573_1576del, p.Gln525fs (NM_001013406.2, NM_001350669.1, NM_001350670.1); c.1003_1006del, p.Gln335fs (NM_001350671.1); c.1717_1720del, p.Gln573fs (NM_001350672.1, NM_001350673.1, NM_001350674.1 and 26 more transcripts); short protein forms Q335fs, Q525fs, Q573fs.
Identifiers: ClinVar variation 2664280 (VCV002664280.5), dbSNP rs756534000, ClinGen allele CA4339056.

ClinVar aggregate classification (germline): Pathogenic/Likely pathogenic. Review status: criteria provided, multiple submitters, no conflicts (2 of 4 stars). 3 submissions from 3 submitters: Pathogenic (1); Likely pathogenic (1). 1 of the submissions does not count toward it. Last evaluated 2023-10-05.

Conditions:
Cerebral cavernous malformation (CCM). Also called: Cerebral cavernous hemangioma (type); CAVERNOUS ANGIOMA, FAMILIAL; CAVERNOUS ANGIOMATOUS MALFORMATIONS; CEREBRAL CAPILLARY MALFORMATIONS; Cavernous Hemangioma of Brain; Cerebral cavernous malformations. Identifiers: Orphanet 221061, MedGen C2919945, MONDO:0000820, OMIM 116860, HP:0033522.
KRIT1-related disorder. Also called: KRIT1-related condition; KRIT1-related disorders.

Submissions (3):

Labcorp Genetics (formerly Invitae), Labcorp
Classification: Pathogenic for Cerebral cavernous malformation. Last evaluated: 2023-10-05. Review status: criteria provided, single submitter. Criteria: Invitae Variant Classification Sherloc (09022015). Collection method: clinical testing. Allele origin: germline.
Comment: This sequence change creates a premature translational stop signal (p.Gln573Valfs*3) in the KRIT1 gene. It is expected to result in an absent or disrupted protein product. Loss-of-function variants in KRIT1 are known to be pathogenic (PMID: 10508515, 11222804, 12404106, 24689081). This variant is present in population databases (rs756534000, gnomAD 0.003%). This premature translational stop signal has been observed in individual(s) with cerebral cavernous malformations (PMID: 18383597). For these reasons, this variant has been classified as Pathogenic.

Blueprint Genetics
Classification: Likely pathogenic for KRIT1-related disorders. Last evaluated: 2023-01-24. Review status: criteria provided, single submitter. Criteria: ACMG Guidelines, 2015. Collection method: clinical testing. Allele origin: germline. Affected: yes. Observed: 1 variant allele.

Seattle Children's Hospital Molecular Genetics Laboratory, Seattle Children's Hospital
Classification: Pathogenic for Cerebral cavernous malformation. Review status: no assertion criteria provided. Collection method: clinical testing. Allele origin: germline. Affected: yes. Not counted in ClinVar's aggregate classification.

Literature cited by the submitters: PubMed 10508515 (cited by Labcorp Genetics (formerly Invitae), Labcorp); PubMed 11222804 (cited by Labcorp Genetics (formerly Invitae), Labcorp); PubMed 12404106 (cited by Labcorp Genetics (formerly Invitae), Labcorp); PubMed 24689081 (cited by Labcorp Genetics (formerly Invitae), Labcorp); PubMed 18383597 (cited by Labcorp Genetics (formerly Invitae), Labcorp).